The following is an entry in ClinVar:

NM_000051.4(ATM):c.1927C>G (p.Leu643Val)

Gene: ATM (ATM serine/threonine kinase; plus strand). Cytogenetic location: 11q22.3.
Variant type: single nucleotide variant.
Coding change: c.1927C>G on transcript NM_000051.4 (MANE Select); coding-DNA position 1927, C replaced by G.
Protein change: p.Leu643Val; replaces leucine 643 with valine.
Molecular consequence: missense variant.
Genome position (GRCh38, 1-based): chr11:108,253,842, C>G. VCF-style: chr11-108253842-C-G. GRCh37 (hg19) VCF-style: chr11-108124569-C-G.
Other names: c.1927C>G, p.Leu643Val (NM_001351834.2); short protein forms L643V.
Identifiers: ClinVar variation 629425 (VCV000629425.6), dbSNP rs1565389730, ClinGen allele CA382536505.

ClinVar aggregate classification (germline): Uncertain significance. Review status: criteria provided, multiple submitters, no conflicts (2 of 4 stars). 3 submissions from 3 submitters: Uncertain significance (3). Last evaluated 2025-01-19.

Conditions:
Hereditary cancer-predisposing syndrome. Also called: Tumor predisposition; Neoplastic Syndromes, Hereditary; Hereditary Cancer Syndrome; Hereditary neoplastic syndrome. Identifiers: Orphanet 140162, MedGen C0027672, MeSH D009386, MONDO:0015356.
Familial cancer of breast. Also called: BREAST CANCER, FAMILIAL; Hereditary breast cancer; hereditary breast carcinoma. Identifiers: Orphanet 227535, MedGen C0346153, MONDO:0016419, OMIM 114480. Disease mechanism: loss of function.
Ataxia-telangiectasia syndrome (AT). Also called: ATAXIA-TELANGIECTASIA, COMPLEMENTATION GROUP A; ATAXIA-TELANGIECTASIA, FRESNO VARIANT; LOUIS-BAR SYNDROME; Ataxia telangiectasia (A-T); Cerebello-oculocutaneous telangiectasia; Immunodeficiency with ataxia telangiectasia. Identifiers: Orphanet 100, MedGen C0004135, MONDO:0008840, OMIM 208900.

Submissions (3):

Ambry Genetics
Classification: Uncertain significance for Hereditary cancer-predisposing syndrome. Last evaluated: 2025-01-19. Review status: criteria provided, single submitter. Criteria: Ambry Variant Classification Scheme 2023. Collection method: clinical testing. Allele origin: germline.
Comment: The p.L643V variant (also known as c.1927C>G), located in coding exon 12 of the ATM gene, results from a C to G substitution at nucleotide position 1927. The leucine at codon 643 is replaced by valine, an amino acid with highly similar properties. This amino acid position is conserved. In addition, this alteration is predicted to be tolerated by in silico analysis. Based on the available evidence, the clinical significance of this variant remains unclear.

Color Diagnostics, LLC DBA Color Health
Classification: Uncertain significance for Hereditary cancer-predisposing syndrome. Last evaluated: 2023-12-04. Review status: criteria provided, single submitter. Criteria: ACMG Guidelines, 2015. Collection method: clinical testing. Allele origin: germline.
Comment: This missense variant replaces leucine with valine at codon 643 of the ATM protein. Computational prediction suggests that this variant may not impact protein structure and function (internally defined REVEL score threshold <= 0.5, PMID: 27666373). To our knowledge, functional studies have not been reported for this variant. This variant has not been reported in individuals affected with ATM-related disorders in the literature. This variant has not been identified in the general population by the Genome Aggregation Database (gnomAD). The available evidence is insufficient to determine the role of this variant in disease conclusively. Therefore, this variant is classified as a Variant of Uncertain Significance.

Fulgent Genetics
Classification: Uncertain significance for Familial cancer of breast; Ataxia-telangiectasia syndrome. Last evaluated: 2022-01-28. Review status: criteria provided, single submitter. Criteria: ACMG Guidelines, 2015. Collection method: clinical testing. Allele origin: unknown.